The following is an entry in ClinVar:

ClinVar aggregate classification (germline): Benign/Likely benign. Review status: criteria provided, multiple submitters, no conflicts (2 of 4 stars). 4 submissions from 4 submitters: Benign (1); Likely benign (3). Last evaluated 2025-01-30.

Conditions:
Lynch syndrome 4 (LYNCH4). Also called: Colorectal cancer, hereditary nonpolyposis, type 4; Hereditary non-polyposis colorectal cancer, type 4. Identifiers: Orphanet 144, MedGen C1838333, MONDO:0013699, OMIM 614337. Disease mechanism: loss of function.
Hereditary nonpolyposis colorectal neoplasms. Identifiers: MedGen C0009405, MeSH D003123.
Hereditary cancer-predisposing syndrome. Also called: Neoplastic Syndromes, Hereditary; Tumor predisposition; Hereditary neoplastic syndrome; Hereditary Cancer Syndrome. Identifiers: Orphanet 140162, MedGen C0027672, MeSH D009386, MONDO:0015356.

Submissions (4):

Myriad Genetics, Inc.
Classification: Benign for Lynch syndrome 4. Last evaluated: 2025-01-30. Review status: criteria provided, single submitter. Criteria: Myriad Autosomal Dominant, Autosomal Recessive and X-Linked Classification Criteria (2023). Collection method: clinical testing. Allele origin: unknown.
Comment: This variant is considered benign. This variant is a silent/synonymous amino acid change and it is not expected to impact splicing.

Labcorp Genetics (formerly Invitae), Labcorp
Classification: Likely benign for Hereditary nonpolyposis colorectal neoplasms. Last evaluated: 2024-02-03. Review status: criteria provided, single submitter. Criteria: Invitae Variant Classification Sherloc (09022015). Collection method: clinical testing. Allele origin: germline.

Ambry Genetics
Classification: Likely benign for Hereditary cancer-predisposing syndrome. Last evaluated: 2022-04-19. Review status: criteria provided, single submitter. Criteria: Ambry Variant Classification Scheme 2023. Collection method: clinical testing. Allele origin: germline.

Color Diagnostics, LLC DBA Color Health
Classification: Likely benign for Hereditary cancer-predisposing syndrome. Last evaluated: 2018-03-23. Review status: criteria provided, single submitter. Criteria: ACMG Guidelines, 2015. Collection method: clinical testing. Allele origin: germline.

NM_000535.7(PMS2):c.1428T>C (p.Ser476=)

Gene: PMS2 (PMS1 homolog 2, mismatch repair system component; minus strand). Cytogenetic location: 7p22.1.
Variant type: single nucleotide variant.
Coding change: c.1428T>C on transcript NM_000535.7 (MANE Select); coding-DNA position 1428, T replaced by C.
Protein change: p.Ser476=; no amino-acid change (serine 476 retained).
Molecular consequence: synonymous variant. On other transcripts: non-coding transcript variant (1).
Genome position (GRCh38, 1-based): chr7:5,987,337, A>G on the plus strand (T>C on the coding strand, the complement: PMS2 is on the minus strand). VCF-style: chr7-5987337-A-G. GRCh37 (hg19) VCF-style: chr7-6026968-A-G.
Other names: c.855T>C, p.Ser285= (NM_001322013.2); c.1428T>C, p.Ser476= (NM_001322014.2); c.1119T>C, p.Ser373= (NM_001322015.2); c.1023T>C, p.Ser341= (NM_001322003.2, NM_001322004.2, NM_001322005.2 and 1 more transcripts); c.1272T>C, p.Ser424= (NM_001322006.2); c.1110T>C, p.Ser370= (NM_001322007.2, NM_001322008.2); c.867T>C, p.Ser289= (NM_001322010.2); c.495T>C, p.Ser165= (NM_001322011.2, NM_001322012.2).
Identifiers: ClinVar variation 627991 (VCV000627991.15), dbSNP rs1562632936, ClinGen allele CA453746458.
Genomic context (GRCh38, chr7:5,987,337, plus strand): 5'-GTGCCCCGAGTCCTTCTCCACCTCCGCTCTGTCCGTAGGGTCACTGGGTCCGTGACTGGA[A>G]CTCACTGCCTCTTTCTGAGGTCTCAGGACGCCTTTGTCAGAGATGGCACCTGAAGTGCTA-3'
Protein context (NP_000526.2, residues 466-486): GVLRPQKEAV[Ser476=]SSHGPSDPTD